The following is an entry in ClinVar:

NM_017866.6(TMEM70):c.554A>G (p.Asn185Ser)

Gene: TMEM70 (transmembrane protein 70; plus strand). Cytogenetic location: 8q21.11.
Variant type: single nucleotide variant.
Coding change: c.554A>G on transcript NM_017866.6 (MANE Select); coding-DNA position 554, A replaced by G.
Protein change: p.Asn185Ser; replaces asparagine 185 with serine.
Molecular consequence: missense variant. On other transcripts: 3 prime UTR variant (1), non-coding transcript variant (1).
Genome position (GRCh38, 1-based): chr8:73,981,392, A>G. VCF-style: chr8-73981392-A-G. GRCh37 (hg19) VCF-style: chr8-74893627-A-G.
Other names: c.*244A>G (NM_001040613.3); short protein forms N185S.
Identifiers: ClinVar variation 859658 (VCV000859658.5), dbSNP rs952309136, ClinGen allele CA179294364.

ClinVar aggregate classification (germline): Uncertain significance (1 of 4 stars; one submission).

Conditions:
Mitochondrial complex V (ATP synthase) deficiency, nuclear type 2. Also called: Nuclear-Encoded ATPase Deficiency, TMEM70-Related; ENCEPHALOCARDIOMYOPATHY, MITOCHONDRIAL, NEONATAL, DUE TO ATP SYNTHASE DEFICIENCY; MITOCHONDRIAL COMPLEX V (ATP SYNTHASE) DEFICIENCY, TMEM70 TYPE. Identifiers: Orphanet 1194, MedGen C3279699, MONDO:0013546, OMIM 614052.

Allele frequency attached by ClinVar (database versions not stated): gnomAD exomes below 0.00001 and 0.00001; gnomAD 0.00001; TOPMed 0.00001.
gnomAD v4.1: 6 of 1,614,094 alleles (0.00037%); highest among the groups gnomAD compares: East Asian, 0.0045%; no homozygotes.

Submission:

Labcorp Genetics (formerly Invitae), Labcorp
Classification: Uncertain significance for Mitochondrial complex V (ATP synthase) deficiency, nuclear type 2. Last evaluated: 2022-09-01. Review status: criteria provided, single submitter. Criteria: Invitae Variant Classification Sherloc (09022015). Collection method: clinical testing. Allele origin: germline.
Comment: This sequence change replaces asparagine, which is neutral and polar, with serine, which is neutral and polar, at codon 185 of the TMEM70 protein (p.Asn185Ser). This variant is present in population databases (no rsID available, gnomAD 0.0009%). This variant has not been reported in the literature in individuals affected with TMEM70-related conditions. ClinVar contains an entry for this variant (Variation ID: 859658). Algorithms developed to predict the effect of missense changes on protein structure and function output the following: SIFT: "Tolerated"; PolyPhen-2: "Benign"; Align-GVGD: "Class C0". The serine amino acid residue is found in multiple mammalian species, which suggests that this missense change does not adversely affect protein function. Algorithms developed to predict the effect of sequence changes on RNA splicing suggest that this variant may create or strengthen a splice site. In summary, the available evidence is currently insufficient to determine the role of this variant in disease. Therefore, it has been classified as a Variant of Uncertain Significance.